The following is an entry in ClinVar:

ClinVar aggregate classification (germline): Uncertain significance. Review status: criteria provided, multiple submitters, no conflicts (2 of 4 stars). 2 submissions from 2 submitters: Uncertain significance (2). Last evaluated 2025-06-22.

Conditions:
Inborn genetic diseases. Identifiers: MedGen C0950123, MeSH D030342.

Allele frequency attached by ClinVar (database versions not stated): gnomAD exomes 0.00002; TOPMed 0.00003; ExAC 0.00002; gnomAD 0.00004 and 0.00005; ESP Exome Variant Server 0.00008.
gnomAD v4.1: 19 of 1,611,050 alleles (0.0012%); highest among the groups gnomAD compares: African/African-American, 0.016%; no homozygotes.

Submissions (2):

Ambry Genetics
Classification: Uncertain significance for Inborn genetic diseases. Last evaluated: 2025-06-22. Review status: criteria provided, single submitter. Criteria: Ambry Variant Classification Scheme 2023. Collection method: clinical testing. Allele origin: germline.

Labcorp Genetics (formerly Invitae), Labcorp
Classification: Uncertain significance. Last evaluated: 2024-12-02. Review status: criteria provided, single submitter. Criteria: Invitae Variant Classification Sherloc (09022015). Collection method: clinical testing. Allele origin: germline.
Comment: This sequence change replaces threonine, which is neutral and polar, with isoleucine, which is neutral and non-polar, at codon 41 of the RBP4 protein (p.Thr41Ile). This variant is present in population databases (rs367834906, gnomAD 0.02%). This variant has not been reported in the literature in individuals affected with RBP4-related conditions. ClinVar contains an entry for this variant (Variation ID: 1024677). An algorithm developed to predict the effect of missense changes on protein structure and function outputs the following: PolyPhen-2: "Benign". The isoleucine amino acid residue is found in multiple mammalian species, which suggests that this missense change does not adversely affect protein function. In summary, the available evidence is currently insufficient to determine the role of this variant in disease. Therefore, it has been classified as a Variant of Uncertain Significance.

NM_006744.4(RBP4):c.122C>T (p.Thr41Ile)

Gene: RBP4 (retinol binding protein 4; minus strand). Cytogenetic location: 10q23.33.
Variant type: single nucleotide variant.
Coding change: c.122C>T on transcript NM_006744.4 (MANE Select); coding-DNA position 122, C replaced by T.
Protein change: p.Thr41Ile; replaces threonine 41 with isoleucine.
Molecular consequence: missense variant.
Genome position (GRCh38, 1-based): chr10:93,600,793, G>A on the plus strand (C>T on the coding strand, the complement: RBP4 is on the minus strand). VCF-style: chr10-93600793-G-A. GRCh37 (hg19) VCF-style: chr10-95360550-G-A.
Other names: c.122C>T, p.Thr41Ile (NM_001323517.1); c.116C>T, p.Thr39Ile (NM_001323518.2); c.122C>T (NM_006744.3); short protein forms T41I, T39I.
Identifiers: ClinVar variation 1024677 (VCV001024677.7), dbSNP rs367834906, ClinGen allele CA5609651.